The following is an entry in ClinVar:

ClinVar aggregate classification (germline): Uncertain significance (1 of 4 stars; one submission).

Submission:

GeneDx
Classification: Uncertain significance. Last evaluated: 2024-02-28. Review status: criteria provided, single submitter. Criteria: GeneDx Variant Classification Process June 2021. Collection method: clinical testing. Allele origin: germline. Affected: yes.
Comment: Not observed at significant frequency in large population cohorts (gnomAD); In silico analysis supports that this missense variant does not alter protein structure/function; Has not been previously published as pathogenic or benign to our knowledge

NM_005909.5(MAP1B):c.3184T>A (p.Tyr1062Asn)

Gene: MAP1B (microtubule associated protein 1B; plus strand). Cytogenetic location: 5q13.2.
Variant type: single nucleotide variant.
Coding change: c.3184T>A on transcript NM_005909.5 (MANE Select); coding-DNA position 3184, T replaced by A.
Protein change: p.Tyr1062Asn; replaces tyrosine 1062 with asparagine.
Molecular consequence: missense variant.
Genome position (GRCh38, 1-based): chr5:72,196,539, T>A. VCF-style: chr5-72196539-T-A. GRCh37 (hg19) VCF-style: chr5-71492366-T-A.
Other names: c.2806T>A, p.Tyr936Asn (NM_001324255.2); short protein forms Y1062N, Y936N.
Identifiers: ClinVar variation 3373466 (VCV003373466.1).
Genomic context (GRCh38, chr5:72,196,539, plus strand): 5'-GAAGACTATGTGATGGCTGTGGTCGACAAGGCTGCAGAGGCTGGTGGTGCCGAGGAGCAG[T>A]ATGGATTCCTCACCACACCAACCAAGCAACTAGGAGCCCAGTCTCCTGGCCGAGAACCTG-3'
Protein context (NP_005900.2, residues 1052-1072): AAEAGGAEEQ[Tyr1062Asn]GFLTTPTKQL